The following is an entry in ClinVar:

NM_199420.4(POLQ):c.2129A>G (p.His710Arg)

Gene: POLQ (DNA polymerase theta; minus strand). Cytogenetic location: 3q13.33.
Variant type: single nucleotide variant.
Coding change: c.2129A>G on transcript NM_199420.4 (MANE Select); coding-DNA position 2129, A replaced by G.
Protein change: p.His710Arg; replaces histidine 710 with arginine.
Molecular consequence: missense variant.
Genome position (GRCh38, 1-based): chr3:121,498,501, T>C on the plus strand (A>G on the coding strand, the complement: POLQ is on the minus strand). VCF-style: chr3-121498501-T-C. GRCh37 (hg19) VCF-style: chr3-121217348-T-C.
Other names: short protein forms H710R.
Identifiers: ClinVar variation 1786353 (VCV001786353.3), dbSNP rs748072643, ClinGen allele CA354109749.

ClinVar aggregate classification (germline): Uncertain significance (1 of 4 stars; one submission).

gnomAD v4.1: 1 of 1,613,910 alleles (0.000062%); highest among the groups gnomAD compares: African/African-American, 0.0013%; no homozygotes.

Submission:

Ambry Genetics
Classification: Uncertain significance. Last evaluated: 2024-07-21. Review status: criteria provided, single submitter. Criteria: Ambry Variant Classification Scheme 2023. Collection method: clinical testing. Allele origin: germline.
Comment: The p.H710R variant (also known as c.2129A>G), located in coding exon 13 of the POLQ gene, results from an A to G substitution at nucleotide position 2129. The histidine at codon 710 is replaced by arginine, an amino acid with highly similar properties. This amino acid position is conserved. In addition, this alteration is predicted to be tolerated by in silico analysis. Since supporting evidence is limited at this time, the clinical significance of this alteration remains unclear.